The following is an entry in ClinVar:

ClinVar aggregate classification (germline): Uncertain significance (1 of 4 stars; one submission).

Conditions:
Neuropathy, hereditary sensory and autonomic, type 2A (HSAN2A). Also called: HSAN IIA; ACROOSTEOLYSIS, GIACCAI TYPE; ACROOSTEOLYSIS, NEUROGENIC; MORVAN DISEASE; NEUROPATHY, CONGENITAL SENSORY; NEUROPATHY, HEREDITARY SENSORY RADICULAR, AUTOSOMAL RECESSIVE. Identifiers: Orphanet 970, MedGen C2752089, MONDO:0024309, OMIM 201300.
Pseudohypoaldosteronism type 2C (PHA2C). Also called: Pseudohypoaldosteronism Type IIC. Identifiers: Orphanet 757, Orphanet 88940, MedGen C1840391, MONDO:0013778, OMIM 614492.

Submission:

Labcorp Genetics (formerly Invitae), Labcorp
Classification: Uncertain significance for Neuropathy, hereditary sensory and autonomic, type 2A; Pseudohypoaldosteronism type 2C. Last evaluated: 2022-03-23. Review status: criteria provided, single submitter. Criteria: Invitae Variant Classification Sherloc (09022015). Collection method: clinical testing. Allele origin: germline.
Comment: In summary, the available evidence is currently insufficient to determine the role of this variant in disease. Therefore, it has been classified as a Variant of Uncertain Significance. This sequence change creates a premature translational stop signal (p.Cys749*) in the WNK1 gene. However, it is currently unclear if variants that occur in this region of the gene cause disease. This variant is not present in population databases (gnomAD no frequency). This variant has not been reported in the literature in individuals affected with WNK1-related conditions.

NM_213655.5(WNK1):c.2247C>A (p.Cys749Ter)

Gene: WNK1 (WNK lysine deficient protein kinase 1; plus strand). Cytogenetic location: 12p13.33.
Variant type: single nucleotide variant.
Coding change: c.2247C>A on transcript NM_213655.5 (MANE Plus Clinical); coding-DNA position 2247, C replaced by A.
Protein change: p.Cys749Ter; replaces cysteine 749 with a stop codon.
Molecular consequence: nonsense. On other transcripts: intron variant (3).
Genome position (GRCh38, 1-based): chr12:865,217, C>A. VCF-style: chr12-865217-C-A. GRCh37 (hg19) VCF-style: chr12-974383-C-A.
Other names: c.2140-2649C>A (NM_001184985.2); c.2139+2947C>A (NM_018979.4, NM_014823.3); short protein forms C749*.
Identifiers: ClinVar variation 1520755 (VCV001520755.8), dbSNP rs1335073762, ClinGen allele CA383337632.